The following is an entry in ClinVar:

NM_006017.3(PROM1):c.425A>G (p.Glu142Gly)

Gene: PROM1 (prominin 1; minus strand). Cytogenetic location: 4p15.32.
Variant type: single nucleotide variant.
Coding change: c.425A>G on transcript NM_006017.3 (MANE Select); coding-DNA position 425, A replaced by G.
Protein change: p.Glu142Gly; replaces glutamic acid 142 with glycine.
Molecular consequence: missense variant.
Genome position (GRCh38, 1-based): chr4:16,033,388, T>C on the plus strand (A>G on the coding strand, the complement: PROM1 is on the minus strand). VCF-style: chr4-16033388-T-C. GRCh37 (hg19) VCF-style: chr4-16035011-T-C.
Other names: c.398A>G, p.Glu133Gly (NM_001145847.2, NM_001145848.2, NM_001145851.2 and 4 more transcripts); c.425A>G, p.Glu142Gly (NM_001145849.2, NM_001145850.2); short protein forms E142G, E133G.
Identifiers: ClinVar variation 1406482 (VCV001406482.6), dbSNP rs1733199051, ClinGen allele CA356427611.

ClinVar aggregate classification (germline): Uncertain significance (1 of 4 stars; one submission).

Allele frequency attached by ClinVar (database versions not stated): gnomAD exomes below 0.00001.

Submission:

Labcorp Genetics (formerly Invitae), Labcorp
Classification: Uncertain significance. Last evaluated: 2021-07-28. Review status: criteria provided, single submitter. Criteria: Invitae Variant Classification Sherloc (09022015). Collection method: clinical testing. Allele origin: germline.
Comment: In summary, the available evidence is currently insufficient to determine the role of this variant in disease. Therefore, it has been classified as a Variant of Uncertain Significance. Algorithms developed to predict the effect of missense changes on protein structure and function are either unavailable or do not agree on the potential impact of this missense change (SIFT: "Deleterious"; PolyPhen-2: "Probably Damaging"; Align-GVGD: "Class C0"). This variant has not been reported in the literature in individuals affected with PROM1-related conditions. This variant is not present in population databases (ExAC no frequency). This sequence change replaces glutamic acid with glycine at codon 142 of the PROM1 protein (p.Glu142Gly). The glutamic acid residue is moderately conserved and there is a moderate physicochemical difference between glutamic acid and glycine.